The following is an entry in ClinVar:

NM_000053.4(ATP7B):c.1523G>C (p.Arg508Thr)

Gene: ATP7B (ATPase copper transporting beta; minus strand). Cytogenetic location: 13q14.3.
Variant type: single nucleotide variant.
Coding change: c.1523G>C on transcript NM_000053.4 (MANE Select); coding-DNA position 1523, G replaced by C.
Protein change: p.Arg508Thr; replaces arginine 508 with threonine.
Molecular consequence: missense variant.
Genome position (GRCh38, 1-based): chr13:51,970,512, C>G on the plus strand (G>C on the coding strand, the complement: ATP7B is on the minus strand). VCF-style: chr13-51970512-C-G. GRCh37 (hg19) VCF-style: chr13-52544648-C-G.
Other names: c.1523G>C, p.Arg508Thr (NM_001005918.3, NM_001330578.2, NM_001330579.2); c.1190G>C, p.Arg397Thr (NM_001243182.2); short protein forms R508T, R397T.
Identifiers: ClinVar variation 965532 (VCV000965532.12), dbSNP rs578173224, ClinGen allele CA6989333.

ClinVar aggregate classification (germline): Uncertain significance. Review status: criteria provided, multiple submitters, no conflicts (2 of 4 stars). 6 submissions from 6 submitters: Uncertain significance (5). 1 of the submissions does not count toward it. Last evaluated 2024-03-06.

Conditions:
Wilson disease (WND). Also called: Wilson's disease. Identifiers: Orphanet 905, MedGen C0019202, MONDO:0010200, OMIM 277900. Disease mechanism: loss of function.

Allele frequency attached by ClinVar (database versions not stated): gnomAD 0.00003 and 0.00004; TOPMed 0.00004; 1000 Genomes Project 30x 0.00031; 1000 Genomes Project 0.00040.
gnomAD v4.1: 36 of 1,614,186 alleles (0.0022%); highest among the groups gnomAD compares: East Asian, 0.078%; no homozygotes.

Submissions (6):

Fulgent Genetics
Classification: Uncertain significance for Wilson disease. Last evaluated: 2024-03-06. Review status: criteria provided, single submitter. Criteria: ACMG Guidelines, 2015. Collection method: clinical testing. Allele origin: germline.

All of Us Research Program, National Institutes of Health
Classification: Uncertain significance for Wilson disease. Last evaluated: 2024-01-03. Review status: criteria provided, single submitter. Criteria: ACMG Guidelines, 2015. Collection method: clinical testing. Allele origin: germline. Inheritance: Autosomal recessive inheritance. Observed: 7 variant alleles, 7 heterozygotes.
Comment: This missense variant replaces arginine with threonine at codon 508 of the ATP7B protein. Computational prediction is inconclusive regarding the impact of this variant on protein structure and function (internally defined REVEL score threshold 0.5 < inconclusive < 0.7, PMID: 27666373). To our knowledge, functional studies have not been reported for this variant. This variant has not been reported in individuals affected with ATP7B-related disorders in the literature. This variant has been identified in 29/280492 chromosomes in the general population by the Genome Aggregation Database (gnomAD). The available evidence is insufficient to determine the role of this variant in disease conclusively. Therefore, this variant is classified as a Variant of Uncertain Significance.

This study involves interpretation of variants in research participants for the purpose of population health screening. Participant phenotype was not available at the time of variant classification. Additional details can be found in publication PMID: 35346344, PMCID: PMC8962531

GeneDx
Classification: Uncertain significance. Last evaluated: 2023-07-19. Review status: criteria provided, single submitter. Criteria: GeneDx Variant Classification Process June 2021. Collection method: clinical testing. Allele origin: germline. Affected: yes.
Comment: In silico analysis supports that this missense variant has a deleterious effect on protein structure/function; Identified as a secondary finding in an individual who underwent whole exome sequencing (Chetruengchai W and Shotelersuk V. 2022); This variant is associated with the following publications: (PMID: 34621001)

Color Diagnostics, LLC DBA Color Health
Classification: Uncertain significance for Wilson disease. Last evaluated: 2023-04-26. Review status: criteria provided, single submitter. Criteria: ACMG Guidelines, 2015. Collection method: clinical testing. Allele origin: germline.
Comment: This missense variant replaces arginine with threonine at codon 508 of the ATP7B protein. Computational prediction is inconclusive regarding the impact of this variant on protein structure and function. To our knowledge, functional studies have not been reported for this variant. This variant has not been reported in individuals affected with ATP7B-related disorders in the literature. This variant has been identified in 29/280492 chromosomes in the general population by the Genome Aggregation Database (gnomAD). The available evidence is insufficient to determine the role of this variant in disease conclusively. Therefore, this variant is classified as a Variant of Uncertain Significance.

Labcorp Genetics (formerly Invitae), Labcorp
Classification: Uncertain significance for Wilson disease. Last evaluated: 2022-06-02. Review status: criteria provided, single submitter. Criteria: Invitae Variant Classification Sherloc (09022015). Collection method: clinical testing. Allele origin: germline.
Comment: This sequence change replaces arginine, which is basic and polar, with threonine, which is neutral and polar, at codon 508 of the ATP7B protein (p.Arg508Thr). This variant is present in population databases (rs578173224, gnomAD 0.1%). This variant has not been reported in the literature in individuals affected with ATP7B-related conditions. ClinVar contains an entry for this variant (Variation ID: 965532). Algorithms developed to predict the effect of missense changes on protein structure and function (SIFT, PolyPhen-2, Align-GVGD) all suggest that this variant is likely to be disruptive. In summary, the available evidence is currently insufficient to determine the role of this variant in disease. Therefore, it has been classified as a Variant of Uncertain Significance.

Natera, Inc.
Classification: Uncertain significance for Wilson disease. Last evaluated: 2020-02-26. Review status: no assertion criteria provided. Collection method: clinical testing. Allele origin: germline. Not counted in ClinVar's aggregate classification.